The following is an entry in ClinVar:

NM_032634.4(PIGO):c.2191del (p.Arg731fs)

Gene: PIGO (phosphatidylinositol glycan anchor biosynthesis class O; minus strand). Cytogenetic location: 9p13.3.
Variant type: Deletion.
Coding change: c.2191del on transcript NM_032634.4 (MANE Select); coding-DNA position 2191, one base deleted (C; older notation c.2191delC).
Protein change: p.Arg731fs; shifts the reading frame from arginine 731.
Molecular consequence: frameshift variant. On other transcripts: intron variant (2).
Genome position (GRCh38, 1-based): chr9:35,091,696, G deleted on the plus strand (C on the coding strand, the reverse complement: PIGO is on the minus strand); the first of 7 consecutive G bases (chr9:35,091,696-35,091,702); deleting any one gives the same sequence. VCF-style (leftmost placement, unchanged base first): chr9-35091695-CG-C. GRCh37 (hg19) VCF-style: chr9-35091692-CG-C.
Other names: c.1345-405del (NM_152850.4, NM_001201484.2); short protein forms R731fs.
Identifiers: ClinVar variation 852858 (VCV000852858.10), dbSNP rs760848629, ClinGen allele CA5040479.
Genomic context (GRCh38, chr9:35,091,695, plus strand): 5'-GCCAGCCCTGCTACAGCCCGAGGCAGCACCATGGATGCCCCAGAGACCAGGACCCGGAGA[CG>C]GGGGGGAGCCTCATCTGCCCCCGACGCCAATGCCCAGTAGGCAGCAGTACCCAATGCCAT-3'

ClinVar aggregate classification (germline): Pathogenic. Review status: criteria provided, multiple submitters, no conflicts (2 of 4 stars). 2 submissions from 2 submitters: Pathogenic (2). Last evaluated 2024-08-02.

Conditions:
Hyperphosphatasia with impaired intellectual development syndrome 2. Also called: Hyperphosphatasia with intellectual disability syndrome 2; GLYCOSYLPHOSPHATIDYLINOSITOL BIOSYNTHESIS DEFECT 6. Identifiers: Orphanet 247262, MedGen C3553637, MONDO:0013882, OMIM 614749.

Submissions (2):

Dasa
Classification: Pathogenic. Last evaluated: 2024-08-02. Review status: criteria provided, single submitter. Criteria: DASA Assertion Criteria. Collection method: clinical testing. Allele origin: germline.
Comment: NM_032634.4(PIGO):c.2191del (p.Arg731Valfs*17) introduces a premature termination codon predicted to result in loss of normal protein function. Loss-of-function is an established mechanism of disease for this gene. The variant is present at low frequency in population datasets. Based on the available data, this variant is classified as pathogenic.

Labcorp Genetics (formerly Invitae), Labcorp
Classification: Pathogenic for Hyperphosphatasia with impaired intellectual development syndrome 2. Last evaluated: 2019-12-03. Review status: criteria provided, single submitter. Criteria: Invitae Variant Classification Sherloc (09022015). Collection method: clinical testing. Allele origin: germline.
Comment: This variant has been observed in individual(s) with clinical features of PIOGO-related disorder (PMID: 30109123). This sequence change creates a premature translational stop signal (p.Arg731Valfs*17) in the PIGO gene. It is expected to result in an absent or disrupted protein product. The frequency data for this variant in the population databases is considered unreliable, as metrics indicate poor data quality at this position in the ExAC database. Loss-of-function variants in PIGO are known to be pathogenic (PMID: 22683086, 24417746). For these reasons, this variant has been classified as Pathogenic.

Literature cited by the submitters: PubMed 30109123 (cited by Labcorp Genetics (formerly Invitae), Labcorp); PubMed 22683086 (cited by Labcorp Genetics (formerly Invitae), Labcorp); PubMed 24417746 (cited by Labcorp Genetics (formerly Invitae), Labcorp).